The following is an entry in ClinVar:

NM_005876.5(SPEG):c.1224G>C (p.Glu408Asp)

Gene: SPEG (striated muscle enriched protein kinase; plus strand). Cytogenetic location: 2q35.
Variant type: single nucleotide variant.
Coding change: c.1224G>C on transcript NM_005876.5 (MANE Select); coding-DNA position 1224, G replaced by C.
Protein change: p.Glu408Asp; replaces glutamic acid 408 with aspartic acid.
Molecular consequence: missense variant.
Genome position (GRCh38, 1-based): chr2:219,448,382, G>C. VCF-style: chr2-219448382-G-C. GRCh37 (hg19) VCF-style: chr2-220313104-G-C.
Other names: short protein forms E408D.
Identifiers: ClinVar variation 2014342 (VCV002014342.4), dbSNP rs1689480210, ClinGen allele CA350717834.

ClinVar aggregate classification (germline): Uncertain significance (1 of 4 stars; one submission).

Submission:

Labcorp Genetics (formerly Invitae), Labcorp
Classification: Uncertain significance. Last evaluated: 2022-07-06. Review status: criteria provided, single submitter. Criteria: Invitae Variant Classification Sherloc (09022015). Collection method: clinical testing. Allele origin: germline.
Comment: In summary, the available evidence is currently insufficient to determine the role of this variant in disease. Therefore, it has been classified as a Variant of Uncertain Significance. Advanced modeling of protein sequence and biophysical properties (such as structural, functional, and spatial information, amino acid conservation, physicochemical variation, residue mobility, and thermodynamic stability) performed at Invitae indicates that this missense variant is expected to disrupt SPEG protein function. This variant has not been reported in the literature in individuals affected with SPEG-related conditions. This variant is not present in population databases (gnomAD no frequency). This sequence change replaces glutamic acid, which is acidic and polar, with aspartic acid, which is acidic and polar, at codon 408 of the SPEG protein (p.Glu408Asp).